The following is an entry in ClinVar:

ClinVar aggregate classification (germline): Benign/Likely benign. Review status: criteria provided, multiple submitters, no conflicts (2 of 4 stars). 3 submissions from 3 submitters: Benign (2); Likely benign (1). Last evaluated 2026-01-03.

Allele frequency attached by ClinVar (database versions not stated): 1000 Genomes Project 0.00160; TOPMed 0.00254; gnomAD 0.00263 and 0.00268; ExAC 0.00356; ESP Exome Variant Server 0.00422; 1000 Genomes Project 30x 0.00125.
gnomAD v4.1: 5,060 of 1,564,226 alleles (0.32%); highest among the groups gnomAD compares: Non-Finnish European, 0.38%; 12 homozygotes.

Submissions (3):

Labcorp Genetics (formerly Invitae), Labcorp
Classification: Benign. Last evaluated: 2026-01-03. Review status: criteria provided, single submitter. Criteria: Invitae Variant Classification Sherloc (09022015). Collection method: clinical testing. Allele origin: germline.

CeGaT Center for Human Genetics Tuebingen
Classification: Likely benign. Last evaluated: 2023-06-01. Review status: criteria provided, single submitter. Criteria: CeGaT Center For Human Genetics Tuebingen Variant Classification Criteria Version 2. Collection method: clinical testing. Allele origin: germline. Affected: yes. Observed: 1 variant allele.
Comment: TNK2: BP4, BP7

Breakthrough Genomics
Classification: Benign. Review status: criteria provided, single submitter. Criteria: ACMG Guidelines, 2015. Collection method: not provided. Allele origin: germline. Inheritance: Unknown mechanism. Affected: yes.

NM_001382273.1(TNK2):c.1857G>A (p.Pro619=)

Gene: TNK2 (tyrosine kinase non receptor 2; minus strand). Cytogenetic location: 3q29.
Variant type: single nucleotide variant.
Coding change: c.1857G>A on transcript NM_001382273.1 (MANE Select); coding-DNA position 1857, G replaced by A.
Protein change: p.Pro619=; no amino-acid change (proline 619 retained).
Molecular consequence: synonymous variant. On other transcripts: non-coding transcript variant (15).
Genome position (GRCh38, 1-based): chr3:195,868,441, C>T on the plus strand (G>A on the coding strand, the complement: TNK2 is on the minus strand). VCF-style: chr3-195868441-C-T. GRCh37 (hg19) VCF-style: chr3-195595312-C-T.
Other names: c.1929G>A, p.Pro643= (NM_001010938.2, NM_001382272.1); c.1908G>A, p.Pro636= (NM_001308046.2, NM_001382271.1); c.1857G>A, p.Pro619= (NM_001382274.1, NM_001387716.1, NM_001387717.1 and 1 more transcripts); c.1953G>A, p.Pro651= (NM_001382275.1, NM_001387707.1); c.1812G>A, p.Pro604= (NM_001386164.1, NM_001387709.1, NM_001387710.1 and 8 more transcripts); c.1884G>A, p.Pro628= (NM_001387708.1, NM_001387715.1).
Identifiers: ClinVar variation 1541974 (VCV001541974.32), dbSNP rs150996995, ClinGen allele CA2776170.